The following is an entry in ClinVar:

ClinVar aggregate classification (germline): Likely benign (1 of 4 stars; one submission).

gnomAD v4.1: 43 of 1,612,916 alleles (0.0027%); highest among the groups gnomAD compares: African/African-American, 0.011%; no homozygotes.

Submission:

CeGaT Center for Human Genetics Tuebingen
Classification: Likely benign. Last evaluated: 2025-09-01. Review status: criteria provided, single submitter. Criteria: CeGaT Center For Human Genetics Tuebingen Variant Classification Criteria Version 2. Collection method: clinical testing. Allele origin: germline. Affected: yes. Observed: 1 variant allele.
Comment: ZP2: BP4, BP7

NM_001376232.1(ZP2):c.1089C>T (p.Pro363=)

Gene: ZP2 (zona pellucida glycoprotein 2; minus strand). Cytogenetic location: 16p12.2.
Variant type: single nucleotide variant.
Coding change: c.1089C>T on transcript NM_001376232.1 (MANE Select); coding-DNA position 1089, C replaced by T.
Protein change: p.Pro363=; no amino-acid change (proline 363 retained).
Molecular consequence: synonymous variant. On other transcripts: non-coding transcript variant (1).
Genome position (GRCh38, 1-based): chr16:21,203,135, G>A on the plus strand (C>T on the coding strand, the complement: ZP2 is on the minus strand). VCF-style: chr16-21203135-G-A. GRCh37 (hg19) VCF-style: chr16-21214456-G-A.
Other names: c.1089C>T, p.Pro363= (NM_001376231.1, NM_001376233.1, NM_003460.2).
Identifiers: ClinVar variation 4281207 (VCV004281207.7).